The following is an entry in ClinVar:

ClinVar aggregate classification (germline): Uncertain significance. Review status: criteria provided, multiple submitters, no conflicts (2 of 4 stars). 5 submissions from 4 submitters: Uncertain significance (5). Last evaluated 2026-06-26.

Conditions:
TECTA-related disorder. Also called: TECTA-related condition.
Autosomal recessive nonsyndromic hearing loss 21. Identifiers: Orphanet 90636, MedGen C1863655, MONDO:0011351, OMIM 603629.
Autosomal dominant nonsyndromic hearing loss 12. Also called: DEAFNESS, AUTOSOMAL DOMINANT 8. Identifiers: Orphanet 90635, MedGen C1832187, MONDO:0011102, OMIM 601543.

Allele frequency attached by ClinVar (database versions not stated): gnomAD 0.00001; TOPMed 0.00001; gnomAD exomes 0.00003; ExAC 0.00005.
gnomAD v4.1: 38 of 1,614,060 alleles (0.0024%); highest among the groups gnomAD compares: East Asian, 0.071%; no homozygotes.

Submissions (5):

PreventionGenetics, part of Exact Sciences
Classification: Uncertain significance for TECTA-related condition. Last evaluated: 2026-06-26. Review status: criteria provided, single submitter. Criteria: ACMG Guidelines, 2015. Collection method: clinical testing. Allele origin: germline.
Comment: The TECTA c.3769G>A variant is predicted to result in the amino acid substitution p.Gly1257Ser. To our knowledge, this variant has not been reported in the literature. This variant is reported in 0.030% of alleles in individuals of East Asian descent in gnomAD. At this time, the clinical significance of this variant is uncertain due to the absence of conclusive functional and genetic evidence.

3billion
Classification: Uncertain significance for Autosomal recessive nonsyndromic hearing loss 21. Last evaluated: 2022-09-01. Review status: criteria provided, single submitter. Criteria: ACMG Guidelines, 2015. Collection method: clinical testing. Allele origin: germline. Affected: yes. Observed: 1 heterozygote.
Comment: The variant is observed at an extremely low frequency in the gnomAD v2.1.1 dataset (total allele frequency: 0.003%). The evidence of pathogenicity is insufficient at this time. Therefore, this variant is classified as uncertain significance according to the recommendation of ACMG/AMP guideline.

Illumina Laboratory Services, Illumina
Classification: Uncertain significance for Autosomal recessive nonsyndromic hearing loss 21. Last evaluated: 2018-01-12. Review status: criteria provided, single submitter. Criteria: ICSL Variant Classification Criteria 13 December 2019. Collection method: clinical testing. Allele origin: germline.

Illumina Laboratory Services, Illumina
Classification: Uncertain significance for Autosomal dominant nonsyndromic hearing loss 12. Last evaluated: 2018-01-12. Review status: criteria provided, single submitter. Criteria: ICSL Variant Classification Criteria 13 December 2019. Collection method: clinical testing. Allele origin: germline.

Laboratory for Molecular Medicine, Mass General Brigham Personalized Medicine
Classification: Uncertain significance. Last evaluated: 2013-05-06. Review status: criteria provided, single submitter. Criteria: LMM Criteria. Collection method: clinical testing. Allele origin: germline. Observed: 1 variant allele.
Comment: Variant classified as Uncertain Significance - Favor Benign. The Gly1257Ser vari ant in TECTA has not been reported in individuals affected with hearing loss or in large population studies. Computational analyses (biochemical amino acid prop erties, conservation, AlignGVGD, PolyPhen2, and SIFT) suggest that the Gly1257Se r variant may not impact the protein, though this information is not predictive enough to rule out pathogenicity. In summary, additional information is needed to assess the clinical significance of this variant.

NM_005422.4(TECTA):c.3769G>A (p.Gly1257Ser)

Genes: TBCEL-TECTA (TBCEL-TECTA readthrough; plus strand), TECTA (tectorin alpha; plus strand). Cytogenetic location: 11q23.3.
Variant type: single nucleotide variant.
Coding change: c.3769G>A on transcript NM_005422.4 (MANE Select); coding-DNA position 3769, G replaced by A.
Protein change: p.Gly1257Ser; replaces glycine 1257 with serine.
Molecular consequence: missense variant.
Genome position (GRCh38, 1-based): chr11:121,145,780, G>A. VCF-style: chr11-121145780-G-A. GRCh37 (hg19) VCF-style: chr11-121016489-G-A.
Other names: c.4726G>A, p.Gly1576Ser (NM_001378761.1); short protein forms G1257S, G1576S.
Identifiers: ClinVar variation 178822 (VCV000178822.11), dbSNP rs727504469, ClinGen allele CA183103.